The following is an entry in ClinVar:

NM_007294.4(BRCA1):c.126A>T (p.Ile42=)

Gene: BRCA1 (BRCA1 DNA repair associated; minus strand). Cytogenetic location: 17q21.31.
Variant type: single nucleotide variant.
Coding change: c.126A>T on transcript NM_007294.4 (MANE Select); coding-DNA position 126, A replaced by T.
Protein change: p.Ile42=; no amino-acid change (isoleucine 42 retained).
Molecular consequence: synonymous variant. On other transcripts: 5 prime UTR variant (132), intron variant (41).
Genome position (GRCh38, 1-based): chr17:43,115,734, T>A on the plus strand (A>T on the coding strand, the complement: BRCA1 is on the minus strand). VCF-style: chr17-43115734-T-A. GRCh37 (hg19) VCF-style: chr17-41267751-T-A.
Other names: c.-63A>T (NM_001407571.1, NM_001407853.1, NM_001407879.1 and 52 more transcripts); c.126A>T, p.Ile42= (NM_001407581.1, NM_001407582.1, NM_001407583.1 and 192 more transcripts); c.-132A>T (NM_001407694.1, NM_001407696.1, NM_001407724.1 and 13 more transcripts); c.-136A>T (NM_001407695.1, NM_001408465.1); c.-16A>T (NM_001407697.1, NM_001407725.1, NM_001407728.1 and 47 more transcripts); c.-12A>T (NM_001407841.1); c.-179A>T (NM_001407889.1, NM_001407900.1, NM_001408492.1); c.-178A>T (NM_001407960.1, NM_001407962.1, NM_001408510.1 and 1 more transcripts); and 10 more.
Identifiers: ClinVar variation 867510 (VCV000867510.3), dbSNP rs2055246676, ClinGen allele CA500129984.

Conditions:
Breast-ovarian cancer, familial, susceptibility to, 1 (BROVCA1). Also called: BRCA1 Hereditary Breast and Ovarian Cancer; OVARIAN CANCER, SUSCEPTIBILITY TO. Identifiers: Orphanet 145, MedGen C2676676, MONDO:0011450, OMIM 604370. Disease mechanism: loss of function.

Submission:

Brotman Baty Institute, University of Washington
No classification provided (evidence only). Condition: Breast-ovarian cancer, familial 1. Review status: no classification provided. Collection method: in vitro. Allele origin: not applicable. Functional consequence: functionally_normal.
ClinVar note: "not provided" was previously submitted as the classification for the variant. However, the classification appeared to be based only on an observation of functional data so it was converted to no classification on 2025-07-30.